The following is an entry in ClinVar:

ClinVar aggregate classification (germline): Uncertain significance. Review status: criteria provided, multiple submitters, no conflicts (2 of 4 stars). 2 submissions from 2 submitters: Uncertain significance (2). Last evaluated 2026-08-10.

Conditions:
Birt-Hogg-Dube syndrome. Also called: Birt Hogg Dubé syndrome. Identifiers: Orphanet 122, MedGen C0346010, MONDO:0800444.
Hereditary cancer-predisposing syndrome. Also called: Hereditary Cancer Syndrome; Hereditary neoplastic syndrome; Neoplastic Syndromes, Hereditary; Tumor predisposition. Identifiers: Orphanet 140162, MedGen C0027672, MeSH D009386, MONDO:0015356.

Submissions (2):

Ambry Genetics
Classification: Uncertain significance for Hereditary cancer-predisposing syndrome. Last evaluated: 2026-08-10. Review status: criteria provided, single submitter. Criteria: Ambry Variant Classification Scheme 2023. Collection method: clinical testing. Allele origin: germline.
Comment: The p.R59S variant (also known as c.175C>A), located in coding exon 1 of the FLCN gene, results from a C to A substitution at nucleotide position 175. The arginine at codon 59 is replaced by serine, an amino acid with dissimilar properties. This amino acid position is conserved. In addition, the in silico prediction for this alteration is inconclusive. Based on the available evidence, the clinical significance of this variant remains unclear.

Labcorp Genetics (formerly Invitae), Labcorp
Classification: Uncertain significance for Birt-Hogg-Dube syndrome. Last evaluated: 2024-01-31. Review status: criteria provided, single submitter. Criteria: Invitae Variant Classification Sherloc (09022015). Collection method: clinical testing. Allele origin: germline.
Comment: This sequence change replaces arginine, which is basic and polar, with serine, which is neutral and polar, at codon 59 of the FLCN protein (p.Arg59Ser). This variant is not present in population databases (gnomAD no frequency). This variant has not been reported in the literature in individuals affected with FLCN-related conditions. Advanced modeling of protein sequence and biophysical properties (such as structural, functional, and spatial information, amino acid conservation, physicochemical variation, residue mobility, and thermodynamic stability) performed at Invitae indicates that this missense variant is not expected to disrupt FLCN protein function with a negative predictive value of 80%. In summary, the available evidence is currently insufficient to determine the role of this variant in disease. Therefore, it has been classified as a Variant of Uncertain Significance.

NM_144997.7(FLCN):c.175C>A (p.Arg59Ser)

Gene: FLCN (folliculin; minus strand). Cytogenetic location: 17p11.2.
Variant type: single nucleotide variant.
Coding change: c.175C>A on transcript NM_144997.7 (MANE Select); coding-DNA position 175, C replaced by A.
Protein change: p.Arg59Ser; replaces arginine 59 with serine.
Molecular consequence: missense variant.
Genome position (GRCh38, 1-based): chr17:17,227,963, G>T on the plus strand (C>A on the coding strand, the complement: FLCN is on the minus strand). VCF-style: chr17-17227963-G-T. GRCh37 (hg19) VCF-style: chr17-17131277-G-T.
Other names: c.175C>A, p.Arg59Ser (NM_001353229.2, NM_001353230.2, NM_001353231.2 and 1 more transcripts); short protein forms R59S.
Identifiers: ClinVar variation 2714385 (VCV002714385.4), dbSNP rs778275358, ClinGen allele CA398535166.